The following is an entry in ClinVar:

NM_020461.4(TUBGCP6):c.4582G>A (p.Asp1528Asn)

Gene: TUBGCP6 (tubulin gamma complex component 6; minus strand). Cytogenetic location: 22q13.33.
Variant type: single nucleotide variant.
Coding change: c.4582G>A on transcript NM_020461.4 (MANE Select); coding-DNA position 4582, G replaced by A.
Protein change: p.Asp1528Asn; replaces aspartic acid 1528 with asparagine.
Molecular consequence: missense variant.
Genome position (GRCh38, 1-based): chr22:50,219,112, C>T on the plus strand (G>A on the coding strand, the complement: TUBGCP6 is on the minus strand). VCF-style: chr22-50219112-C-T. GRCh37 (hg19) VCF-style: chr22-50657541-C-T.
Other names: short protein forms D1528N.
Identifiers: ClinVar variation 958064 (VCV000958064.9), dbSNP rs543860732, ClinGen allele CA412169819.

ClinVar aggregate classification (germline): Uncertain significance (1 of 4 stars; one submission).

Allele frequency attached by ClinVar (database versions not stated): gnomAD 0.00001; TOPMed 0.00001.
gnomAD v4.1: 4 of 1,613,014 alleles (0.00025%); highest among the groups gnomAD compares: Non-Finnish European, 0.00034%; no homozygotes.

Submission:

Labcorp Genetics (formerly Invitae), Labcorp
Classification: Uncertain significance. Last evaluated: 2022-02-04. Review status: criteria provided, single submitter. Criteria: Invitae Variant Classification Sherloc (09022015). Collection method: clinical testing. Allele origin: germline.
Comment: Algorithms developed to predict the effect of missense changes on protein structure and function are either unavailable or do not agree on the potential impact of this missense change (SIFT: "Tolerated"; PolyPhen-2: "Probably Damaging"; Align-GVGD: "Class C0"). In summary, the available evidence is currently insufficient to determine the role of this variant in disease. Therefore, it has been classified as a Variant of Uncertain Significance. This sequence change replaces aspartic acid, which is acidic and polar, with asparagine, which is neutral and polar, at codon 1528 of the TUBGCP6 protein (p.Asp1528Asn). The frequency data for this variant in the population databases is considered unreliable, as metrics indicate poor data quality at this position in the gnomAD database. This variant has not been reported in the literature in individuals affected with TUBGCP6-related conditions. ClinVar contains an entry for this variant (Variation ID: 958064).